The following is an entry in ClinVar:

NM_006218.4(PIK3CA):c.2987A>G (p.Asn996Ser)

Gene: PIK3CA (phosphatidylinositol-4,5-bisphosphate 3-kinase catalytic subunit alpha; plus strand). Cytogenetic location: 3q26.32.
Variant type: single nucleotide variant.
Coding change: c.2987A>G on transcript NM_006218.4 (MANE Select); coding-DNA position 2987, A replaced by G.
Protein change: p.Asn996Ser; replaces asparagine 996 with serine.
Molecular consequence: missense variant.
Genome position (GRCh38, 1-based): chr3:179,234,144, A>G. VCF-style: chr3-179234144-A-G. GRCh37 (hg19) VCF-style: chr3-178951932-A-G.
Other names: short protein forms N996S.
Identifiers: ClinVar variation 2857164 (VCV002857164.3), dbSNP rs1245520052, ClinGen allele CA355284682.
Genomic context (GRCh38, chr3:179,234,144, plus strand): 5'-TTACTTATAGGTTTCAGGAGATGTGTTACAAGGCTTATCTAGCTATTCGACAGCATGCCA[A>G]TCTCTTCATAAATCTTTTCTCAATGATGCTTGGCTCTGGAATGCCAGAACTACAATCTTT-3'
Protein context (NP_006209.2, residues 986-1006): KAYLAIRQHA[Asn996Ser]LFINLFSMML

ClinVar aggregate classification (germline): Uncertain significance (1 of 4 stars; one submission).

Conditions:
Cowden syndrome (CS). Also called: Cowden's disease; Cowden's syndrome; Cowden disease. Identifiers: Orphanet 201, MedGen C0018553, MONDO:0016063. Disease mechanism: gain of function.

Allele frequency attached by ClinVar (database versions not stated): TOPMed below 0.00001; gnomAD 0.00001.
gnomAD v4.1: 2 of 1,612,892 alleles (0.00012%); highest among the groups gnomAD compares: East Asian, 0.0022%; no homozygotes.

Submission:

Labcorp Genetics (formerly Invitae), Labcorp
Classification: Uncertain significance for Cowden syndrome. Last evaluated: 2023-09-10. Review status: criteria provided, single submitter. Criteria: Invitae Variant Classification Sherloc (09022015). Collection method: clinical testing. Allele origin: germline.
Comment: This variant has not been reported in the literature in individuals affected with PIK3CA-related conditions. In summary, the available evidence is currently insufficient to determine the role of this variant in disease. Therefore, it has been classified as a Variant of Uncertain Significance. Advanced modeling of protein sequence and biophysical properties (such as structural, functional, and spatial information, amino acid conservation, physicochemical variation, residue mobility, and thermodynamic stability) has been performed at Invitae for this missense variant, however the output from this modeling did not meet the statistical confidence thresholds required to predict the impact of this variant on PIK3CA protein function. This variant is not present in population databases (gnomAD no frequency). This sequence change replaces asparagine, which is neutral and polar, with serine, which is neutral and polar, at codon 996 of the PIK3CA protein (p.Asn996Ser).